The following is an entry in ClinVar:

ClinVar aggregate classification (germline): Uncertain significance. Review status: criteria provided, multiple submitters, no conflicts (2 of 4 stars). 3 submissions from 3 submitters: Uncertain significance (3). Last evaluated 2025-05-01.

Conditions:
Inborn genetic diseases. Identifiers: MedGen C0950123, MeSH D030342.
Spastic ataxia 2. Also called: Ataxia, spastic, 2, autosomal recessive. Identifiers: Orphanet 397946, MedGen C1969796, MONDO:0012651, OMIM 611302.
Hereditary spastic paraplegia. Also called: Familial spastic paraparesis. Identifiers: Orphanet 685, MedGen C0037773, MONDO:0019064. Disease mechanism: loss of function.

Allele frequency attached by ClinVar (database versions not stated): gnomAD 0.00001 and 0.00002; ESP Exome Variant Server 0.00023; gnomAD exomes 0.00003 and 0.00006; TOPMed 0.00003; ExAC 0.00006.
gnomAD v4.1: 46 of 1,614,042 alleles (0.0028%); highest among the groups gnomAD compares: South Asian, 0.038%; no homozygotes.

Submissions (3):

Labcorp Genetics (formerly Invitae), Labcorp
Classification: Uncertain significance for Spastic ataxia 2. Last evaluated: 2025-05-01. Review status: criteria provided, single submitter. Criteria: Invitae Variant Classification Sherloc (09022015). Collection method: clinical testing. Allele origin: germline.
Comment: This sequence change replaces arginine, which is basic and polar, with cysteine, which is neutral and slightly polar, at codon 719 of the KIF1C protein (p.Arg719Cys). This variant is present in population databases (rs147429300, gnomAD 0.04%). This variant has not been reported in the literature in individuals affected with KIF1C-related conditions. ClinVar contains an entry for this variant (Variation ID: 1344398). An algorithm developed to predict the effect of missense changes on protein structure and function (PolyPhen-2) suggests that this variant is likely to be disruptive. In summary, the available evidence is currently insufficient to determine the role of this variant in disease. Therefore, it has been classified as a Variant of Uncertain Significance.

Ambry Genetics
Classification: Uncertain significance for Inborn genetic diseases. Last evaluated: 2025-04-13. Review status: criteria provided, single submitter. Criteria: Ambry Variant Classification Scheme 2023. Collection method: clinical testing. Allele origin: germline.

Genome Diagnostics Laboratory, The Hospital for Sick Children
Classification: Uncertain significance for Hereditary spastic paraplegia. Last evaluated: 2020-10-01. Review status: criteria provided, single submitter. Criteria: ACMG Guidelines, 2015. Collection method: clinical testing. Allele origin: germline. Affected: yes.

NM_006612.6(KIF1C):c.2155C>T (p.Arg719Cys)

Gene: KIF1C (kinesin family member 1C; plus strand). Cytogenetic location: 17p13.2.
Variant type: single nucleotide variant.
Coding change: c.2155C>T on transcript NM_006612.6 (MANE Select); coding-DNA position 2155, C replaced by T.
Protein change: p.Arg719Cys; replaces arginine 719 with cysteine.
Molecular consequence: missense variant.
Genome position (GRCh38, 1-based): chr17:5,022,236, C>T. VCF-style: chr17-5022236-C-T. GRCh37 (hg19) VCF-style: chr17-4925531-C-T.
Other names: short protein forms R719C.
Identifiers: ClinVar variation 1344398 (VCV001344398.10), dbSNP rs147429300, ClinGen allele CA8319227.